The following is an entry in ClinVar:

ClinVar aggregate classification (germline): Uncertain significance (1 of 4 stars; one submission).

Conditions:
Focal segmental glomerulosclerosis 5 (FSGS5). Identifiers: Orphanet 656, MedGen C2750475, MONDO:0013191, OMIM 613237.
Charcot-Marie-Tooth disease dominant intermediate E. Also called: CHARCOT-MARIE-TOOTH NEUROPATHY WITH FOCAL SEGMENTAL GLOMERULONEPHRITIS. Identifiers: Orphanet 93114, MedGen C4302667, MONDO:0013758, OMIM 614455.

Allele frequency attached by ClinVar (database versions not stated): TOPMed 0.00001.

Submission:

Labcorp Genetics (formerly Invitae), Labcorp
Classification: Uncertain significance for Charcot-Marie-Tooth disease dominant intermediate E; Focal segmental glomerulosclerosis 5. Last evaluated: 2025-04-28. Review status: criteria provided, single submitter. Criteria: Invitae Variant Classification Sherloc (09022015). Collection method: clinical testing. Allele origin: germline.
Comment: This sequence change replaces proline, which is neutral and non-polar, with histidine, which is basic and polar, at codon 208 of the INF2 protein (p.Pro208His). This variant is not present in population databases (gnomAD no frequency). This variant has not been reported in the literature in individuals affected with INF2-related conditions. ClinVar contains an entry for this variant (Variation ID: 2195367). Invitae Evidence Modeling of protein sequence and biophysical properties (such as structural, functional, and spatial information, amino acid conservation, physicochemical variation, residue mobility, and thermodynamic stability) has been performed for this missense variant. However, the output from this modeling did not meet the statistical confidence thresholds required to predict the impact of this variant on INF2 protein function. In summary, the available evidence is currently insufficient to determine the role of this variant in disease. Therefore, it has been classified as a Variant of Uncertain Significance.

NM_022489.4(INF2):c.623C>A (p.Pro208His)

Gene: INF2 (inverted formin 2; plus strand). Cytogenetic location: 14q32.33.
Variant type: single nucleotide variant.
Coding change: c.623C>A on transcript NM_022489.4 (MANE Select); coding-DNA position 623, C replaced by A.
Protein change: p.Pro208His; replaces proline 208 with histidine.
Molecular consequence: missense variant.
Genome position (GRCh38, 1-based): chr14:104,703,410, C>A. VCF-style: chr14-104703410-C-A. GRCh37 (hg19) VCF-style: chr14-105169747-C-A.
Other names: c.623C>A, p.Pro208His (NM_001031714.4, NM_032714.3); short protein forms P208H.
Identifiers: ClinVar variation 2195367 (VCV002195367.4), dbSNP rs985281702, ClinGen allele CA267318919.